The following is an entry in ClinVar:

NM_000361.3(THBD):c.752G>A (p.Gly251Asp)

Gene: THBD (thrombomodulin; minus strand). Cytogenetic location: 20p11.21.
Variant type: single nucleotide variant.
Coding change: c.752G>A on transcript NM_000361.3 (MANE Select); coding-DNA position 752, G replaced by A.
Protein change: p.Gly251Asp; replaces glycine 251 with aspartic acid.
Molecular consequence: missense variant.
Genome position (GRCh38, 1-based): chr20:23,048,753, C>T on the plus strand (G>A on the coding strand, the complement: THBD is on the minus strand). VCF-style: chr20-23048753-C-T. GRCh37 (hg19) VCF-style: chr20-23029390-C-T.
Other names: short protein forms G251D.
Identifiers: ClinVar variation 988850 (VCV000988850.5), dbSNP rs1287823727, ClinGen allele CA408407020.
Genomic context (GRCh38, chr20:23,048,753, plus strand): 5'-GCGCCGGCTGGGCACTGGCAGCGGGGAGCCCCAGGGATCGCATTGCACGCGTGCTCGCAG[C>T]CGCCGTTCTCCACGCTGCAGTCCCAAGCGCCCGGCGCCTCCCTGGCCCAGTGCCCCTGGA-3'
Protein context (NP_000352.1, residues 241-261): GAWDCSVENG[Gly251Asp]CEHACNAIPG

ClinVar aggregate classification (germline): Uncertain significance. Review status: criteria provided, multiple submitters, no conflicts (2 of 4 stars). 3 submissions from 3 submitters: Uncertain significance (2). 1 of the submissions does not count toward it. Last evaluated 2025-10-05.

Conditions:
Thrombomodulin-related bleeding disorder (THPH12). Also called: Thrombophilia due to thrombomodulin defect. Identifiers: Orphanet 436169, MedGen C3280976, MONDO:0013775, OMIM 614486.
Abnormal bleeding. Also called: Bleeding diathesis. Identifiers: MedGen C1458140, HP:0001892.
Thrombocytopenia. Identifiers: MedGen C0040034, MeSH D013921, MONDO:0002049, HP:0001873.

Allele frequency attached by ClinVar (database versions not stated): gnomAD exomes below 0.00001; TOPMed below 0.00001.

Submissions (3):

Labcorp Genetics (formerly Invitae), Labcorp
Classification: Uncertain significance. Last evaluated: 2025-10-05. Review status: criteria provided, single submitter. Criteria: Invitae Variant Classification Sherloc (09022015). Collection method: clinical testing. Allele origin: germline.
Comment: This sequence change replaces glycine, which is neutral and non-polar, with aspartic acid, which is acidic and polar, at codon 251 of the THBD protein (p.Gly251Asp). This variant is not present in population databases (gnomAD no frequency). This missense change has been observed in individual(s) with THBD related conditions (PMID: 32935436). ClinVar contains an entry for this variant (Variation ID: 988850). Invitae Evidence Modeling of protein sequence and biophysical properties (such as structural, functional, and spatial information, amino acid conservation, physicochemical variation, residue mobility, and thermodynamic stability) indicates that this missense variant is expected to disrupt THBD protein function with a positive predictive value of 80%. In summary, the available evidence is currently insufficient to determine the role of this variant in disease. Therefore, it has been classified as a Variant of Uncertain Significance.

Genomenon, Inc
Classification: Uncertain significance for Thrombomodulin-related bleeding disorder. Last evaluated: 2025-09-22. Review status: criteria provided, single submitter. Criteria: Genomenon Sequence Variant Interpretation Standards - Updated. Collection method: curation. Allele origin: germline. Affected: no.
Comment: THBD p.Gly251Asp (c.752G>A) is a missense variant that changes the amino acid at residue 251 from Glycine to Aspartic acid. This variant has been reported in the published literature (PMID:32935436). It is absent or not present at a significant frequency in gnomAD. In silico models agree that this variant is possibly or probably damaging. In conclusion, we classify THBD p.Gly251Asp (c.752G>A) as a variant of unknown significance.

Birmingham Platelet Group; University of Birmingham
Classification: Likely pathogenic for Thrombocytopenia; Abnormal bleeding. Last evaluated: 2020-05-01. Review status: no assertion criteria provided. Collection method: research. Allele origin: germline. Affected: yes. Not counted in ClinVar's aggregate classification.

Literature cited by the submitters: PubMed 32935436 (cited by Labcorp Genetics (formerly Invitae), Labcorp and Genomenon, Inc).